The following is an entry in ClinVar:

NM_001042492.3(NF1):c.4333-3T>C

Gene: NF1 (neurofibromin 1; plus strand). Cytogenetic location: 17q11.2.
Variant type: single nucleotide variant.
Coding change: c.4333-3T>C on transcript NM_001042492.3 (MANE Select); 3 bases into the intron before coding-DNA position 4333, T replaced by C.
Molecular consequence: intron variant.
Genome position (GRCh38, 1-based): chr17:31,259,029, T>C. VCF-style: chr17-31259029-T-C. GRCh37 (hg19) VCF-style: chr17-29586047-T-C.
Other names: c.4270-3T>C (NM_000267.4).
Identifiers: ClinVar variation 1037998 (VCV001037998.8), dbSNP rs1597745535, ClinGen allele CA2255574179.

ClinVar aggregate classification (germline): Conflicting classifications of pathogenicity. Review status: criteria provided, conflicting classifications (1 of 4 stars). 2 submissions from 2 submitters: Uncertain significance (1); Likely benign (1). Last evaluated 2025-07-01.

Conditions:
Hereditary cancer-predisposing syndrome. Also called: Neoplastic Syndromes, Hereditary; Hereditary Cancer Syndrome; Tumor predisposition; Hereditary neoplastic syndrome. Identifiers: Orphanet 140162, MedGen C0027672, MeSH D009386, MONDO:0015356.
Cardiovascular phenotype. Identifiers: MedGen CN230736.
Neurofibromatosis, type 1 (NF1). Also called: NEUROFIBROMATOSIS, TYPE I, SOMATIC; VON RECKLINGHAUSEN DISEASE; Peripheral type neurofibromatosis; Neurofibromatosis, type I. Identifiers: Orphanet 636, MedGen C0027831, MONDO:0018975, OMIM 162200. Disease mechanism: loss of function.

Submissions (2):

Ambry Genetics
Classification: Likely benign for Cardiovascular phenotype; Hereditary cancer-predisposing syndrome. Last evaluated: 2025-07-01. Review status: criteria provided, single submitter. Criteria: Ambry Variant Classification Scheme 2023. Collection method: clinical testing. Allele origin: germline.

Labcorp Genetics (formerly Invitae), Labcorp
Classification: Uncertain significance for Neurofibromatosis, type 1. Last evaluated: 2023-11-17. Review status: criteria provided, single submitter. Criteria: Invitae Variant Classification Sherloc (09022015). Collection method: clinical testing. Allele origin: germline.
Comment: This sequence change falls in intron 31 of the NF1 gene. It does not directly change the encoded amino acid sequence of the NF1 protein. It affects a nucleotide within the consensus splice site. This variant is not present in population databases (gnomAD no frequency). This variant has not been reported in the literature in individuals affected with NF1-related conditions. ClinVar contains an entry for this variant (Variation ID: 1037998). Variants that disrupt the consensus splice site are a relatively common cause of aberrant splicing (PMID: 17576681, 9536098). Algorithms developed to predict the effect of sequence changes on RNA splicing suggest that this variant is not likely to affect RNA splicing. In summary, the available evidence is currently insufficient to determine the role of this variant in disease. Therefore, it has been classified as a Variant of Uncertain Significance.

Literature cited by the submitters: PubMed 17576681 (cited by Labcorp Genetics (formerly Invitae), Labcorp); PubMed 9536098 (cited by Labcorp Genetics (formerly Invitae), Labcorp).